The following is an entry in ClinVar:

NM_033026.6(PCLO):c.8298A>G (p.Lys2766=)

Gene: PCLO (piccolo presynaptic cytomatrix protein; minus strand). Cytogenetic location: 7q21.11.
Variant type: single nucleotide variant.
Coding change: c.8298A>G on transcript NM_033026.6 (MANE Select); coding-DNA position 8298, A replaced by G.
Protein change: p.Lys2766=; no amino-acid change (lysine 2766 retained).
Molecular consequence: synonymous variant.
Genome position (GRCh38, 1-based): chr7:82,952,655, T>C on the plus strand (A>G on the coding strand, the complement: PCLO is on the minus strand). VCF-style: chr7-82952655-T-C. GRCh37 (hg19) VCF-style: chr7-82581971-T-C.
Other names: c.8298A>G, p.Lys2766= (NM_014510.3); c.8298A>G (NM_033026.5).
Identifiers: ClinVar variation 1627469 (VCV001627469.10), dbSNP rs200649027, ClinGen allele CA4320146.

ClinVar aggregate classification (germline): Likely benign. Review status: criteria provided, single submitter (1 of 4 stars). 2 submissions from 2 submitters: Likely benign (1). 1 of the submissions does not count toward it. Last evaluated 2026-01-11.

Conditions:
PCLO-related disorder. Also called: PCLO-related condition.

Allele frequency attached by ClinVar (database versions not stated): gnomAD exomes 0.00002 and 0.00010; ExAC 0.00014; 1000 Genomes Project 30x 0.00031; 1000 Genomes Project 0.00040; gnomAD 0.00044 and 0.00048; TOPMed 0.00056; ESP Exome Variant Server 0.00058.
gnomAD v4.1: 102 of 1,613,940 alleles (0.0063%); highest among the groups gnomAD compares: African/African-American, 0.11%; 1 homozygote.

Submissions (2):

Labcorp Genetics (formerly Invitae), Labcorp
Classification: Likely benign. Last evaluated: 2026-01-11. Review status: criteria provided, single submitter. Criteria: Invitae Variant Classification Sherloc (09022015). Collection method: clinical testing. Allele origin: germline.

PreventionGenetics, part of Exact Sciences
Classification: Likely benign for PCLO-related condition. Last evaluated: 2019-06-27. Review status: no assertion criteria provided. Collection method: clinical testing. Allele origin: germline. Not counted in ClinVar's aggregate classification.
Comment: This variant is classified as likely benign based on ACMG/AMP sequence variant interpretation guidelines (Richards et al. 2015 PMID: 25741868, with internal and published modifications).